The following is an entry in ClinVar:

NM_000138.5(FBN1):c.523C>T (p.Pro175Ser)

Gene: FBN1 (fibrillin 1; minus strand). Cytogenetic location: 15q21.1.
Variant type: single nucleotide variant.
Coding change: c.523C>T on transcript NM_000138.5 (MANE Select); coding-DNA position 523, C replaced by T.
Protein change: p.Pro175Ser; replaces proline 175 with serine.
Molecular consequence: missense variant.
Genome position (GRCh38, 1-based): chr15:48,596,298, G>A on the plus strand (C>T on the coding strand, the complement: FBN1 is on the minus strand). VCF-style: chr15-48596298-G-A. GRCh37 (hg19) VCF-style: chr15-48888495-G-A.
Other names: short protein forms P175S.
Identifiers: ClinVar variation 450846 (VCV000450846.5), dbSNP rs891185586, ClinGen allele CA270049424.

ClinVar aggregate classification (germline): Conflicting classifications of pathogenicity. Review status: criteria provided, conflicting classifications (1 of 4 stars). 4 submissions from 4 submitters: Uncertain significance (3); Likely benign (1). Last evaluated 2025-09-22.

Conditions:
Weill-Marchesani syndrome 2, dominant. Also called: FBN1-Related Weill-Marchesani Syndrome; Weill-Marchesani Syndrome, Autosomal Dominant. Identifiers: Orphanet 2084, MedGen C1869115, MONDO:0012013, OMIM 608328.
Ectopia lentis 1, isolated, autosomal dominant (ECTOL1). Identifiers: Orphanet 1885, MedGen C3541518, MONDO:0007514, OMIM 129600.
Marfan syndrome (MFS). Also called: MARFAN SYNDROME, TYPE I; FBN1-Related Marfan Syndrome; Marfan syndrome type 1; Marfan's syndrome; Marfan syndrome, classic. Identifiers: Orphanet 284963, Orphanet 558, MedGen C0024796, MONDO:0007947, OMIM 154700.
Stiff skin syndrome (SSKS). Identifiers: Orphanet 2833, MedGen C1861456, MONDO:0008492, OMIM 184900.
Acromicric dysplasia (ACMICD). Also called: Acromicric skeletal dysplasia. Identifiers: Orphanet 969, MedGen C0265287, MONDO:0007055, OMIM 102370.
Progeroid and marfanoid aspect-lipodystrophy syndrome. Also called: MARFANOID-PROGEROID SYNDROME; MARFAN-PROGEROID-LIPODYSTROPHY SYNDROME; Marfan lipodystrophy syndrome; MARFANOID-PROGEROID-LIPODYSTROPHY SYNDROME. Identifiers: Orphanet 300382, MedGen C4310796, MONDO:0014831, OMIM 616914.
MASS syndrome (OCTD). Also called: MASS PHENOTYPE; OVERLAP CONNECTIVE TISSUE DISEASE. Identifiers: MedGen C1858556, MONDO:0011431, OMIM 604308.
Geleophysic dysplasia 2 (GPHYSD2). Identifiers: Orphanet 2623, MedGen C3280054, MONDO:0013612, OMIM 614185.
Familial thoracic aortic aneurysm and aortic dissection (TAAD). Also called: Thoracic aortic aneurysms and dissections. Identifiers: Orphanet 91387, MedGen C4707243, MONDO:0019625.

Submissions (4):

Color Diagnostics, LLC DBA Color Health
Classification: Uncertain significance for Familial thoracic aortic aneurysm and aortic dissection. Last evaluated: 2025-09-22. Review status: criteria provided, single submitter. Criteria: ACMG Guidelines, 2015. Collection method: clinical testing. Allele origin: germline.
Comment: This missense variant replaces proline with serine at codon 175 of the FBN1 protein. Computational prediction suggests that this variant may not impact protein structure and function. To our knowledge, functional studies have not been reported for this variant. This variant has not been reported in individuals affected with FBN1-related disorders in the literature. This variant has not been identified in the general population by the Genome Aggregation Database (gnomAD). The available evidence is insufficient to determine the role of this variant in disease conclusively. Therefore, this variant is classified as a Variant of Uncertain Significance.

3billion
Classification: Likely benign for Acromicric dysplasia; Stiff skin syndrome; Weill-Marchesani syndrome 2, dominant; Ectopia lentis 1, isolated, autosomal dominant; MASS syndrome; Geleophysic dysplasia 2; Progeroid and marfanoid aspect-lipodystrophy syndrome; Marfan syndrome. Last evaluated: 2024-09-20. Review status: criteria provided, single submitter. Criteria: ACMG Guidelines, 2015. Collection method: clinical testing. Allele origin: germline. Affected: no.
Comment: The variant was identified in at least one patient who was diagnosed with a different variant in another gene and showed no symptoms related to the gene containing the variant in question.

All of Us Research Program, National Institutes of Health
Classification: Uncertain significance for Marfan syndrome. Last evaluated: 2024-05-17. Review status: criteria provided, single submitter. Criteria: ACMG Guidelines, 2015. Collection method: clinical testing. Allele origin: germline. Inheritance: Autosomal dominant inheritance. Observed: 1 variant allele, 1 heterozygote.
Comment: This study involves interpretation of variants in research participants for the purpose of population health screening. Participant phenotype was not available at the time of variant classification. Additional details can be found in publication PMID: 35346344, PMCID: PMC8962531

GeneDx
Classification: Uncertain significance. Last evaluated: 2017-07-26. Review status: criteria provided, single submitter. Criteria: GeneDx Variant Classification (06012015). Collection method: clinical testing. Allele origin: germline. Affected: yes.
Comment: A variant of uncertain significance has been identified in the FBN1 gene. The P175S variant has not been published as pathogenic or been reported as benign to our knowledge. The P175S variant is not observed in large population cohorts (Lek et al., 2016; 1000 Genomes Consortium et al., 2015; Exome Variant Server). The P175S variant is a non-conservative amino acid substitution, which is likely to impact secondary protein structure as these residues differ in polarity, charge, size and/or other properties. Furthermore, this substitution occurs at a position that is conserved in mammals and in silico analysis predicts this variant is probably damaging to the protein structure/function. However, although P175S is located within an EGF-like domain of the FBN1 gene, it does not affect a Cysteine residue. Cysteine substitutions in the calcium-binding EGF-like domains represent the majority of pathogenic missense changes associated with Marfan syndrome (Collod-Beroud et al., 2003).